The following is an entry in ClinVar:

ClinVar aggregate classification (germline): Uncertain significance (1 of 4 stars; one submission).

Conditions:
Growth hormone insensitivity with immune dysregulation 1, autosomal recessive. Also called: GROWTH HORMONE INSENSITIVITY SYNDROME WITH IMMUNE DYSREGULATION 1, AUTOSOMAL RECESSIVE; Laron syndrome with immunodeficiency; GROWTH HORMONE INSENSITIVITY DUE TO POSTRECEPTOR DEFECT; LARON SYNDROME DUE TO POSTRECEPTOR DEFECT. Identifiers: Orphanet 220465, MedGen C5435698, MONDO:0100211, OMIM 245590.

Allele frequency attached by ClinVar (database versions not stated): ExAC 0.00001; gnomAD 0.00001; ESP Exome Variant Server 0.00008.
gnomAD v4.1: 12 of 1,614,006 alleles (0.00074%); no homozygotes.

Submission:

Labcorp Genetics (formerly Invitae), Labcorp
Classification: Uncertain significance for Growth hormone insensitivity with immune dysregulation 1, autosomal recessive. Last evaluated: 2025-10-11. Review status: criteria provided, single submitter. Criteria: Invitae Variant Classification Sherloc (09022015). Collection method: clinical testing. Allele origin: germline.
Comment: This sequence change replaces glutamine, which is neutral and polar, with leucine, which is neutral and non-polar, at codon 52 of the STAT5B protein (p.Gln52Leu). This variant is present in population databases (rs139130762, gnomAD 0.06%). This variant has not been reported in the literature in individuals affected with STAT5B-related conditions. ClinVar contains an entry for this variant (Variation ID: 2912432). An algorithm developed to predict the effect of missense changes on protein structure and function (PolyPhen-2) suggests that this variant is likely to be disruptive. In summary, the available evidence is currently insufficient to determine the role of this variant in disease. Therefore, it has been classified as a Variant of Uncertain Significance.

NM_012448.4(STAT5B):c.155A>T (p.Gln52Leu)

Gene: STAT5B (signal transducer and activator of transcription 5B; minus strand). Cytogenetic location: 17q21.2.
Variant type: single nucleotide variant.
Coding change: c.155A>T on transcript NM_012448.4 (MANE Select); coding-DNA position 155, A replaced by T.
Protein change: p.Gln52Leu; replaces glutamine 52 with leucine.
Molecular consequence: missense variant.
Genome position (GRCh38, 1-based): chr17:42,227,659, T>A on the plus strand (A>T on the coding strand, the complement: STAT5B is on the minus strand). VCF-style: chr17-42227659-T-A. GRCh37 (hg19) VCF-style: chr17-40379677-T-A.
Other names: short protein forms Q52L.
Identifiers: ClinVar variation 2912432 (VCV002912432.3), dbSNP rs139130762, ClinGen allele CA8574356.